The following is an entry in ClinVar:

NM_006361.6(HOXB13):c.205G>A (p.Val69Met)

Gene: HOXB13 (homeobox B13; minus strand). Cytogenetic location: 17q21.32.
Variant type: single nucleotide variant.
Coding change: c.205G>A on transcript NM_006361.6 (MANE Select); coding-DNA position 205, G replaced by A.
Protein change: p.Val69Met; replaces valine 69 with methionine.
Molecular consequence: missense variant.
Genome position (GRCh38, 1-based): chr17:48,728,389, C>T on the plus strand (G>A on the coding strand, the complement: HOXB13 is on the minus strand). VCF-style: chr17-48728389-C-T. GRCh37 (hg19) VCF-style: chr17-46805751-C-T.
Other names: short protein forms V69M.
Identifiers: ClinVar variation 1364614 (VCV001364614.8), dbSNP rs766443552, ClinGen allele CA400107926.

ClinVar aggregate classification (germline): Uncertain significance (1 of 4 stars; one submission).

Submission:

Labcorp Genetics (formerly Invitae), Labcorp
Classification: Uncertain significance. Last evaluated: 2025-08-18. Review status: criteria provided, single submitter. Criteria: Invitae Variant Classification Sherloc (09022015). Collection method: clinical testing. Allele origin: germline.
Comment: This sequence change replaces valine, which is neutral and non-polar, with methionine, which is neutral and non-polar, at codon 69 of the HOXB13 protein (p.Val69Met). This variant is not present in population databases (gnomAD no frequency). This variant has not been reported in the literature in individuals affected with HOXB13-related conditions. ClinVar contains an entry for this variant (Variation ID: 1364614). Invitae Evidence Modeling of protein sequence and biophysical properties (such as structural, functional, and spatial information, amino acid conservation, physicochemical variation, residue mobility, and thermodynamic stability) indicates that this missense variant is not expected to disrupt HOXB13 protein function with a negative predictive value of 80%. In summary, the available evidence is currently insufficient to determine the role of this variant in disease. Therefore, it has been classified as a Variant of Uncertain Significance.